The following is an entry in ClinVar:

ClinVar aggregate classification (germline): Uncertain significance (1 of 4 stars; one submission).

gnomAD v4.1: 7 of 1,605,096 alleles (0.00044%); highest among the groups gnomAD compares: Non-Finnish European, 0.0006%; no homozygotes.

Submission:

Labcorp Genetics (formerly Invitae), Labcorp
Classification: Uncertain significance. Last evaluated: 2025-03-10. Review status: criteria provided, single submitter. Criteria: Invitae Variant Classification Sherloc (09022015). Collection method: clinical testing. Allele origin: germline.
Comment: This sequence change replaces glycine, which is neutral and non-polar, with arginine, which is basic and polar, at codon 672 of the DDX58 protein (p.Gly672Arg). This variant also falls at the last nucleotide of exon 14, which is part of the consensus splice site for this exon. This variant is present in population databases (rs765501625, gnomAD 0.0009%). This variant has not been reported in the literature in individuals affected with DDX58-related conditions. An algorithm developed to predict the effect of missense changes on protein structure and function (PolyPhen-2) suggests that this variant is likely to be disruptive. Variants that disrupt the consensus splice site are a relatively common cause of aberrant splicing (PMID: 17576681, 9536098). Algorithms developed to predict the effect of sequence changes on RNA splicing suggest that this variant may disrupt the consensus splice site. In summary, the available evidence is currently insufficient to determine the role of this variant in disease. Therefore, it has been classified as a Variant of Uncertain Significance.

Literature cited by the submitters: PubMed 17576681; PubMed 9536098.

NM_014314.4(RIGI):c.2014G>A (p.Gly672Arg)

Gene: RIGI (RNA sensor RIG-I; minus strand). Cytogenetic location: 9p21.1.
Variant type: single nucleotide variant.
Coding change: c.2014G>A on transcript NM_014314.4 (MANE Select); coding-DNA position 2014, G replaced by A.
Protein change: p.Gly672Arg; replaces glycine 672 with arginine.
Molecular consequence: missense variant.
Genome position (GRCh38, 1-based): chr9:32,472,975, C>T on the plus strand (G>A on the coding strand, the complement: RIGI is on the minus strand). VCF-style: chr9-32472975-C-T. GRCh37 (hg19) VCF-style: chr9-32472973-C-T.
Other names: c.2008G>A, p.Gly670Arg (NM_001385907.1); c.2014G>A, p.Gly672Ser (NM_001385909.1); c.1573G>A, p.Gly525Arg (NM_001385910.1); c.1405G>A, p.Gly469Arg (NM_001385912.1); c.1999G>A, p.Gly667Arg (NM_001385913.1); c.1570G>A, p.Gly524Arg (NM_001385914.1); short protein forms G469R, G524R, G667R, G672R, G525R, G670R, G672S.
Identifiers: ClinVar variation 4697593 (VCV004697593.1).
Genomic context (GRCh38, chr9:32,472,975, plus strand): 5'-ACACACACACATATTCTTAAATGCATAATCCACTAAATCTAATTCACTATATATAAATAC[C>T]TGTGTTCTGATTTGTTTTGCCACGTCCAGTCAATATGCCAGGTTTTAGAAAACTGAGTTT-3'
Protein context (NP_055129.2, residues 662-682): TGRGKTNQNT[Gly672Arg]MTLPAQKCIL